The following is an entry in ClinVar:

NM_024809.5(TCTN2):c.1173_1178del (p.Asn392_Thr393del)

Gene: TCTN2 (tectonic family member 2; plus strand). Cytogenetic location: 12q24.31.
Variant type: Deletion.
Coding change: c.1173_1178del on transcript NM_024809.5 (MANE Select); coding-DNA positions 1173 to 1178, 6 bases deleted (TAATAC; older notation c.1173_1178delTAATAC).
Protein change: p.Asn392_Thr393del.
Molecular consequence: inframe deletion.
Genome position (GRCh38, 1-based): chr12:123,694,915-123,694,920, TAATAC deleted. VCF-style (leftmost placement, unchanged base first): chr12-123694914-ATAATAC-A. GRCh37 (hg19) VCF-style: chr12-124179461-ATAATAC-A.
Other names: c.1170_1175del, p.Asn391_Thr392del (NM_001143850.3).
Identifiers: ClinVar variation 2071979 (VCV002071979.4), dbSNP rs2541788244, ClinGen allele CA2580085955.

ClinVar aggregate classification (germline): Uncertain significance (1 of 4 stars; one submission).

Conditions:
Joubert syndrome. Also called: CEREBELLOPARENCHYMAL DISORDER IV; JOUBERT-BOLTSHAUSER SYNDROME; Familial aplasia of the vermis. Identifiers: Orphanet 475, MedGen C5979921, MONDO:0018772.
Meckel-Gruber syndrome. Also called: DYSENCEPHALIA SPLANCHNOCYSTICA; GRUBER SYNDROME; Dysencephalia splachnocystica. Identifiers: Orphanet 564, MedGen C0265215, MONDO:0018921.

Submission:

Labcorp Genetics (formerly Invitae), Labcorp
Classification: Uncertain significance for Joubert syndrome; Meckel-Gruber syndrome. Last evaluated: 2022-07-23. Review status: criteria provided, single submitter. Criteria: Invitae Variant Classification Sherloc (09022015). Collection method: clinical testing. Allele origin: germline.
Comment: This variant, c.1173_1178del, results in the deletion of 2 amino acid(s) of the TCTN2 protein (p.Asn392_Thr393del), but otherwise preserves the integrity of the reading frame. This variant is not present in population databases (gnomAD no frequency). This variant has not been reported in the literature in individuals affected with TCTN2-related conditions. Experimental studies and prediction algorithms are not available or were not evaluated, and the functional significance of this variant is currently unknown. In summary, the available evidence is currently insufficient to determine the role of this variant in disease. Therefore, it has been classified as a Variant of Uncertain Significance.